The following is an entry in ClinVar:

ClinVar aggregate classification (germline): Uncertain significance. Review status: criteria provided, multiple submitters, no conflicts (2 of 4 stars). 3 submissions from 3 submitters: Uncertain significance (3). Last evaluated 2025-06-15.

Conditions:
Microcephaly, normal intelligence and immunodeficiency (NBS). Also called: SEEMANOVA SYNDROME II; Nijmegen breakage syndrome; Microcephaly with normal intelligence immunodeficiency and lymphoreticular malignancies; Nonsyndromal microcephaly autosomal recessive with normal intelligence; Seemanova syndrome 2; Ataxia telangiectasia variant V1. Identifiers: Orphanet 647, MedGen C0398791, MONDO:0009623, OMIM 251260.
Familial cancer of breast. Also called: BREAST CANCER, FAMILIAL; Hereditary breast cancer; hereditary breast carcinoma. Identifiers: Orphanet 227535, MedGen C0346153, MONDO:0016419, OMIM 114480. Disease mechanism: loss of function.
Hereditary cancer-predisposing syndrome. Also called: Tumor predisposition; Hereditary neoplastic syndrome; Hereditary Cancer Syndrome; Neoplastic Syndromes, Hereditary. Identifiers: Orphanet 140162, MedGen C0027672, MeSH D009386, MONDO:0015356.

Allele frequency attached by ClinVar (database versions not stated): gnomAD exomes below 0.00001 and 0.00001; TOPMed below 0.00001; gnomAD 0.00001.
gnomAD v4.1: 4 of 1,613,272 alleles (0.00025%); highest among the groups gnomAD compares: Admixed American, 0.0033%; no homozygotes.

Submissions (3):

Ambry Genetics
Classification: Uncertain significance for Hereditary cancer-predisposing syndrome. Last evaluated: 2025-06-15. Review status: criteria provided, single submitter. Criteria: Ambry Variant Classification Scheme 2023. Collection method: clinical testing. Allele origin: germline.
Comment: The p.H149Y variant (also known as c.445C>T), located in coding exon 4 of the NBN gene, results from a C to T substitution at nucleotide position 445. The histidine at codon 149 is replaced by tyrosine, an amino acid with similar properties. This amino acid position is highly conserved in available vertebrate species. In addition, this alteration is predicted to be deleterious by in silico analysis. Since supporting evidence is limited at this time, the clinical significance of this alteration remains unclear.

Labcorp Genetics (formerly Invitae), Labcorp
Classification: Uncertain significance for Microcephaly, normal intelligence and immunodeficiency. Last evaluated: 2024-04-29. Review status: criteria provided, single submitter. Criteria: Invitae Variant Classification Sherloc (09022015). Collection method: clinical testing. Allele origin: germline.
Comment: This sequence change replaces histidine, which is basic and polar, with tyrosine, which is neutral and polar, at codon 149 of the NBN protein (p.His149Tyr). This variant is present in population databases (no rsID available, gnomAD 0.006%). This variant has not been reported in the literature in individuals affected with NBN-related conditions. ClinVar contains an entry for this variant (Variation ID: 870649). An algorithm developed to predict the effect of missense changes on protein structure and function (PolyPhen-2) suggests that this variant is likely to be disruptive. In summary, the available evidence is currently insufficient to determine the role of this variant in disease. Therefore, it has been classified as a Variant of Uncertain Significance.

Liquid Biopsy and Cancer Interception Group, Pfizer-University of Granada-Junta de Andalucía Centre for Genomics and Oncological Research
Classification: Uncertain significance for Familial cancer of breast. Review status: criteria provided, single submitter. Criteria: ACMG Guidelines, 2015. Collection method: clinical testing. Allele origin: germline. Affected: yes. Observed: 1 variant allele.

NM_002485.5(NBN):c.445C>T (p.His149Tyr)

Gene: NBN (nibrin; minus strand). Cytogenetic location: 8q21.3.
Variant type: single nucleotide variant.
Coding change: c.445C>T on transcript NM_002485.5 (MANE Select); coding-DNA position 445, C replaced by T.
Protein change: p.His149Tyr; replaces histidine 149 with tyrosine.
Molecular consequence: missense variant.
Genome position (GRCh38, 1-based): chr8:89,980,769, G>A on the plus strand (C>T on the coding strand, the complement: NBN is on the minus strand). VCF-style: chr8-89980769-G-A. GRCh37 (hg19) VCF-style: chr8-90992997-G-A.
Other names: c.199C>T, p.His67Tyr (NM_001024688.3); short protein forms H67Y, H149Y.
Identifiers: ClinVar variation 870649 (VCV000870649.15), dbSNP rs1161054161, ClinGen allele CA371661646.